The following is an entry in ClinVar:

NM_001098.3(ACO2):c.2287A>T (p.Ile763Phe)

Genes: ACO2 (aconitase 2; plus strand), POLR3H (RNA polymerase III subunit H; minus strand). Cytogenetic location: 22q13.2.
Variant type: single nucleotide variant.
Coding change: c.2287A>T on transcript NM_001098.3 (MANE Select); coding-DNA position 2287, A replaced by T.
Protein change: p.Ile763Phe; replaces isoleucine 763 with phenylalanine.
Molecular consequence: missense variant. On other transcripts: 3 prime UTR variant (5).
Genome position (GRCh38, 1-based): chr22:41,528,557, A>T. VCF-style: chr22-41528557-A-T. GRCh37 (hg19) VCF-style: chr22-41924561-A-T.
Other names: c.*726T>A (NM_001018050.4, NM_001018052.4, NM_001282884.2 and 2 more transcripts); short protein forms I763F.
Identifiers: ClinVar variation 2087881 (VCV002087881.4), dbSNP rs2066654346, ClinGen allele CA411729691.
Genomic context (GRCh38, chr22:41,528,557, plus strand): 5'-AAGCACCCCAACGGGACCCAGGAGACCATCCTCCTGAACCACACCTTCAACGAGACGCAG[A>T]TTGAGTGGTTCCGCGCTGGCAGTGCCCTCAACAGAATGAAGGAACTGCAACAGTGAGGGC-3'
Protein context (NP_001089.1, residues 753-773): LLNHTFNETQ[Ile763Phe]EWFRAGSALN

ClinVar aggregate classification (germline): Uncertain significance (1 of 4 stars; one submission).

Allele frequency attached by ClinVar (database versions not stated): TOPMed below 0.00001.

Submission:

Labcorp Genetics (formerly Invitae), Labcorp
Classification: Uncertain significance. Last evaluated: 2025-10-01. Review status: criteria provided, single submitter. Criteria: Invitae Variant Classification Sherloc (09022015). Collection method: clinical testing. Allele origin: germline.
Comment: This sequence change replaces isoleucine, which is neutral and non-polar, with phenylalanine, which is neutral and non-polar, at codon 763 of the ACO2 protein (p.Ile763Phe). This variant is not present in population databases (gnomAD no frequency). This variant has not been reported in the literature in individuals affected with ACO2-related conditions. ClinVar contains an entry for this variant (Variation ID: 2087881). Invitae Evidence Modeling of protein sequence and biophysical properties (such as structural, functional, and spatial information, amino acid conservation, physicochemical variation, residue mobility, and thermodynamic stability) indicates that this missense variant is not expected to disrupt ACO2 protein function with a negative predictive value of 80%. In summary, the available evidence is currently insufficient to determine the role of this variant in disease. Therefore, it has been classified as a Variant of Uncertain Significance.